The following is an entry in ClinVar:

ClinVar aggregate classification (germline): Benign/Likely benign. Review status: criteria provided, multiple submitters, no conflicts (2 of 4 stars). 10 submissions from 10 submitters: Benign (9); Likely benign (1). Last evaluated 2026-02-04.

Conditions:
Combined immunodeficiency due to DOCK8 deficiency (HIES2). Also called: HIES autosomal recessive; HYPER-IgE RECURRENT INFECTION SYNDROME 2, AUTOSOMAL RECESSIVE; HYPER-IgE SYNDROME 2, AUTOSOMAL RECESSIVE, WITH RECURRENT INFECTIONS; DOCK8 Deficiency; Hyper-IgE recurrent infection syndrome, autosomal recessive. Identifiers: Orphanet 217390, MedGen C4722305, MONDO:0009478, OMIM 243700.

Allele frequency attached by ClinVar (database versions not stated): 1000 Genomes Project 30x 0.06918; 1000 Genomes Project 0.07009; TOPMed 0.10931; gnomAD 0.11324 and 0.11431; gnomAD exomes 0.12238 and 0.16343; ExAC 0.12340; ESP Exome Variant Server 0.12702.
gnomAD v4.1: 255,043 of 1,613,776 alleles (16%); highest among the groups gnomAD compares: Non-Finnish European, 18%; 22,346 homozygotes.

Submissions (10):

Labcorp Genetics (formerly Invitae), Labcorp
Classification: Benign for Combined immunodeficiency due to DOCK8 deficiency. Last evaluated: 2026-02-04. Review status: criteria provided, single submitter. Criteria: Invitae Variant Classification Sherloc (09022015). Collection method: clinical testing. Allele origin: germline.

Women's Health and Genetics/Laboratory Corporation of America, LabCorp
Classification: Likely benign. Last evaluated: 2026-01-21. Review status: criteria provided, single submitter. Criteria: LabCorp Variant Classification Summary - May 2015. Collection method: clinical testing. Allele origin: germline.

Blueprint Genetics
Classification: Benign. Last evaluated: 2024-11-27. Review status: criteria provided, single submitter. Criteria: ACMG Guidelines, 2015. Collection method: clinical testing. Allele origin: germline.

Unidad de Genómica Garrahan, Hospital de Pediatría Garrahan
Classification: Benign. Last evaluated: 2024-01-24. Review status: criteria provided, single submitter. Criteria: ACMG Guidelines, 2015. Collection method: clinical testing. Allele origin: germline. Affected: no. Observed: 21 variant alleles.
Comment: This variant is classified as Benign based on local population frequency. This variant was detected in 22% of patients studied by a panel of primary immunodeficiencies. Number of patients: 21. Only high quality variants are reported.

Mayo Clinic Laboratories, Mayo Clinic
Classification: Benign. Last evaluated: 2019-03-26. Review status: criteria provided, single submitter. Criteria: ACMG Guidelines, 2015. Collection method: clinical testing. Allele origin: germline. Observed: 213 variant alleles.

Illumina Laboratory Services, Illumina
Classification: Benign for Combined immunodeficiency due to DOCK8 deficiency. Last evaluated: 2018-01-13. Review status: criteria provided, single submitter. Criteria: ICSL Variant Classification Criteria 13 December 2019. Collection method: clinical testing. Allele origin: germline.
Comment: This variant was observed in the ICSL laboratory as part of a predisposition screen in an ostensibly healthy population. It had not been previously curated by ICSL or reported in the Human Gene Mutation Database (HGMD: prior to June 1st, 2018), and was therefore a candidate for classification through an automated scoring system. Utilizing variant allele frequency, disease prevalence and penetrance estimates, and inheritance mode, an automated score was calculated to assess if this variant is too frequent to cause the disease. Based on the score and internal cut-off values, a variant classified as benign is not then subjected to further curation. The score for this variant resulted in a classification of benign for this disease.

GeneDx
Classification: Benign. Last evaluated: 2014-03-11. Review status: criteria provided, single submitter. Criteria: GeneDx Variant Classification (06012015). Collection method: clinical testing. Allele origin: germline. Affected: yes.
Comment: This variant is considered likely benign or benign based on one or more of the following criteria: it is a conservative change, it occurs at a poorly conserved position in the protein, it is predicted to be benign by multiple in silico algorithms, and/or has population frequency not consistent with disease.

Laboratory for Molecular Medicine, Mass General Brigham Personalized Medicine
Classification: Benign. Last evaluated: 2013-02-21. Review status: criteria provided, single submitter. Criteria: LMM Criteria. Collection method: clinical testing. Allele origin: germline. Observed: 20 variant alleles.
Comment: Asp63Asn in exon 3 of DOCK8: This variant is not expected to have clinical signi ficance because it has been identified in 17.6% (1513/8600) of European American chromosomes from a broad population by the NHLBI Exome Sequencing Project (dbSNP rs3209441).

Breakthrough Genomics
Classification: Benign. Review status: criteria provided, single submitter. Criteria: ACMG Guidelines, 2015. Collection method: not provided. Allele origin: germline. Inheritance: Autosomal recessive inheritance. Affected: yes.

PreventionGenetics, part of Exact Sciences
Classification: Benign. Review status: criteria provided, single submitter. Criteria: ACMG Guidelines, 2015. Collection method: clinical testing. Allele origin: germline.

NM_203447.4(DOCK8):c.187G>A (p.Asp63Asn)

Genes: DOCK8 (dedicator of cytokinesis 8; plus strand), LOC126860552 (BRD4-independent group 4 enhancer GRCh37_chr9:285795-286994; plus strand). Cytogenetic location: 9p24.3.
Variant type: single nucleotide variant.
Coding change: c.187G>A on transcript NM_203447.4 (MANE Select); coding-DNA position 187, G replaced by A.
Protein change: p.Asp63Asn; replaces aspartic acid 63 with asparagine.
Molecular consequence: missense variant. On other transcripts: 5 prime UTR variant (2).
Genome position (GRCh38, 1-based): chr9:286,491, G>A. VCF-style: chr9-286491-G-A. GRCh37 (hg19) VCF-style: chr9-286491-G-A.
Other names: c.-18G>A (NM_001190458.2, NM_001193536.2); short protein forms D63N.
Identifiers: ClinVar variation 137156 (VCV000137156.24), dbSNP rs3209441, ClinGen allele CA175837.